The following is an entry in ClinVar:

NM_000046.5(ARSB):c.870G>A (p.Trp290Ter)

Gene: ARSB (arylsulfatase B; minus strand). Cytogenetic location: 5q14.1.
Variant type: single nucleotide variant.
Coding change: c.870G>A on transcript NM_000046.5 (MANE Select); coding-DNA position 870, G replaced by A.
Protein change: p.Trp290Ter; replaces tryptophan 290 with a stop codon.
Molecular consequence: nonsense.
Genome position (GRCh38, 1-based): chr5:78,955,323, C>T on the plus strand (G>A on the coding strand, the complement: ARSB is on the minus strand). VCF-style: chr5-78955323-C-T. GRCh37 (hg19) VCF-style: chr5-78251146-C-T.
Other names: c.870G>A, p.Trp290Ter (NM_198709.3); short protein forms W290*.
Identifiers: ClinVar variation 4818227 (VCV004818227.1).
Genomic context (GRCh38, chr5:78,955,323, plus strand): 5'-CCAAGAGATGATTTTCCTATTGACAGACTTACCTGTAGAAAAGATGAACACCGTGTTGTT[C>T]CAGAGCCCACTGCTTTTTAAAGCTGCAGTGACATTTCCTACTGCTTCATCCATAAGGGAC-3'

ClinVar aggregate classification (germline): Pathogenic (1 of 4 stars; one submission).

Conditions:
Mucopolysaccharidosis type 6 (MPS6). Also called: N-ACETYLGALACTOSAMINE-4-SULFATASE DEFICIENCY; MPS VI; ARSB DEFICIENCY; ARYLSULFATASE B DEFICIENCY; MPS 6; Maroteaux Lamy syndrome. Identifiers: Orphanet 583, MedGen C0026709, MONDO:0009661, OMIM 253200.

Submission:

Natera, Inc.
Classification: Pathogenic for Mucopolysaccharidosis type VI. Last evaluated: 2024-05-24. Review status: criteria provided, single submitter. Criteria: Natera Variant Classification Schema (03/2026). Collection method: clinical testing. Allele origin: germline.
Comment: The c.870G>A variant in ARSB is a nonsense variant predicted to introduce a stop codon at amino acid 290. This variant is expected to result in nonsense mediated decay, truncation, or a dysfunctional protein product. This variant is rare in the general population with a frequency below the threshold expected for the associated phenotype(s). This variant has been observed in one or more individuals affected with the associated recessive disease, as either homozygous or compound heterozygous with a second variant (PMID: 32021598). This variant has been observed to segregate in affected family members (PMID: 32021598). Functional studies show that this variant may disrupt protein function (PMID: 32021598). Given the available evidence, this variant is classified as Pathogenic.

Literature cited by the submitters: PubMed 32021598.